The following is an entry in ClinVar:

ClinVar aggregate classification (germline): Likely pathogenic (1 of 4 stars; one submission).

Conditions:
VPS13A-related neurodegenerative disease. Also called: LEVINE-CRITCHLEY SYNDROME; Choreoacanthocytosis; Chorea-acanthocytosis; ACANTHOCYTOSIS WITH NEUROLOGIC DISORDER; VPS13A Disease; Choreaacanthocytosis. Identifiers: Orphanet 2388, MedGen C0393576, MONDO:0008695, OMIM 200150.

Submission:

Natera, Inc.
Classification: Likely pathogenic for Choreaacanthocytosis. Last evaluated: 2026-01-29. Review status: criteria provided, single submitter. Criteria: Natera Variant Classification Schema (03/2026). Collection method: clinical testing. Allele origin: germline.
Comment: The c.4054_4056delACAinsCC variant in VPS13A is a frameshift variant predicted to shift the reading frame beginning at codon 1352 and leads to a stop codon 25 codons downstream. This variant is expected to result in nonsense mediated decay, truncation, or a dysfunctional protein product. This variant is rare in the general population with a frequency below the threshold expected for the associated phenotype(s). Given the available evidence, this variant is classified as Likely Pathogenic.

NM_033305.3(VPS13A):c.4054_4056delinsCC (p.Thr1352fs)

Gene: VPS13A (vacuolar protein sorting 13 homolog A; plus strand). Cytogenetic location: 9q21.2.
Variant type: Indel.
Coding change: c.4054_4056delinsCC on transcript NM_033305.3 (MANE Select); coding-DNA positions 4054 to 4056, ACA replaced by CC.
Protein change: p.Thr1352fs; shifts the reading frame from threonine 1352.
Molecular consequence: frameshift variant.
Genome position (GRCh38, 1-based): chr9:77,308,038-77,308,040, ACA replaced by CC. VCF-style: chr9-77308038-ACA-CC. GRCh37 (hg19) VCF-style: chr9-79922954-ACA-CC.
Other names: c.3937_3939delinsCC, p.Thr1313fs (NM_001018037.2); c.4054_4056delinsCC, p.Thr1352fs (NM_001018038.3, NM_015186.4); short protein forms T1313fs, T1352fs.
Identifiers: ClinVar variation 4816398 (VCV004816398.1).